The following is an entry in ClinVar:

NM_000478.6(ALPL):c.268G>T (p.Asp90Tyr)

Gene: ALPL (alkaline phosphatase, biomineralization associated; plus strand). Cytogenetic location: 1p36.12.
Variant type: single nucleotide variant.
Coding change: c.268G>T on transcript NM_000478.6 (MANE Select); coding-DNA position 268, G replaced by T.
Protein change: p.Asp90Tyr; replaces aspartic acid 90 with tyrosine.
Molecular consequence: missense variant. On other transcripts: intron variant (1).
Genome position (GRCh38, 1-based): chr1:21,561,183, G>T. VCF-style: chr1-21561183-G-T. GRCh37 (hg19) VCF-style: chr1-21887676-G-T.
Other names: c.103G>T, p.Asp35Tyr (NM_001127501.4); c.268G>T, p.Asp90Tyr (NM_001369803.2, NM_001369804.2, NM_001369805.2); c.66+438G>T (NM_001177520.3); short protein forms D35Y, D90Y.
Identifiers: ClinVar variation 4799862 (VCV004799862.1).

ClinVar aggregate classification (germline): Uncertain significance (1 of 4 stars; one submission).

Submission:

Labcorp Genetics (formerly Invitae), Labcorp
Classification: Uncertain significance. Last evaluated: 2025-11-11. Review status: criteria provided, single submitter. Criteria: Invitae Variant Classification Sherloc (09022015). Collection method: clinical testing. Allele origin: germline.
Comment: This sequence change replaces aspartic acid, which is acidic and polar, with tyrosine, which is neutral and polar, at codon 90 of the ALPL protein (p.Asp90Tyr). This variant is not present in population databases (gnomAD no frequency). This variant has not been reported in the literature in individuals affected with ALPL-related conditions. Invitae Evidence Modeling of protein sequence and biophysical properties (such as structural, functional, and spatial information, amino acid conservation, physicochemical variation, residue mobility, and thermodynamic stability) indicates that this missense variant is expected to disrupt ALPL protein function with a positive predictive value of 95%. In summary, the available evidence is currently insufficient to determine the role of this variant in disease. Therefore, it has been classified as a Variant of Uncertain Significance.